The following is an entry in ClinVar:

ClinVar aggregate classification (germline): Likely benign. Review status: criteria provided, multiple submitters, no conflicts (2 of 4 stars). 2 submissions from 2 submitters: Likely benign (2). Last evaluated 2024-09-01.

Conditions:
Landau-Kleffner syndrome (FESD). Also called: EPILEPSY, FOCAL, WITH SPEECH DISORDER AND WITH OR WITHOUT MENTAL RETARDATION; APHASIA, ACQUIRED, WITH EPILEPSY. Identifiers: Orphanet 1945, Orphanet 725, Orphanet 98818, MedGen C0282512, MONDO:0009509, OMIM 245570.

gnomAD v4.1: 14 of 1,614,028 alleles (0.00087%); highest among the groups gnomAD compares: Non-Finnish European, 0.0011%; no homozygotes.

Submissions (2):

CeGaT Center for Human Genetics Tuebingen
Classification: Likely benign. Last evaluated: 2024-09-01. Review status: criteria provided, single submitter. Criteria: CeGaT Center For Human Genetics Tuebingen Variant Classification Criteria Version 2. Collection method: clinical testing. Allele origin: germline. Affected: yes. Observed: 1 variant allele.
Comment: GRIN2A: BP4, BP7

Labcorp Genetics (formerly Invitae), Labcorp
Classification: Likely benign for Landau-Kleffner syndrome. Last evaluated: 2022-11-08. Review status: criteria provided, single submitter. Criteria: Invitae Variant Classification Sherloc (09022015). Collection method: clinical testing. Allele origin: germline.

NM_001134407.3(GRIN2A):c.3039G>T (p.Leu1013=)

Gene: GRIN2A (glutamate ionotropic receptor NMDA type subunit 2A; minus strand). Cytogenetic location: 16p13.2.
Variant type: single nucleotide variant.
Coding change: c.3039G>T on transcript NM_001134407.3 (MANE Select); coding-DNA position 3039, G replaced by T.
Protein change: p.Leu1013=; no amino-acid change (leucine 1013 retained).
Molecular consequence: synonymous variant.
Genome position (GRCh38, 1-based): chr16:9,764,505, C>A on the plus strand (G>T on the coding strand, the complement: GRIN2A is on the minus strand). VCF-style: chr16-9764505-C-A. GRCh37 (hg19) VCF-style: chr16-9858362-C-A.
Other names: c.3039G>T, p.Leu1013= (NM_000833.5, NM_001134408.2).
Identifiers: ClinVar variation 1625741 (VCV001625741.22), dbSNP rs577077724, ClinGen allele CA7896382.